The following is an entry in ClinVar:

ClinVar aggregate classification (germline): Pathogenic (1 of 4 stars; one submission).

Conditions:
Birt-Hogg-Dube syndrome. Also called: Birt Hogg Dubé syndrome. Identifiers: Orphanet 122, MedGen C0346010, MONDO:0800444.

Submission:

Labcorp Genetics (formerly Invitae), Labcorp
Classification: Pathogenic for Birt-Hogg-Dube syndrome. Last evaluated: 2023-12-05. Review status: criteria provided, single submitter. Criteria: Invitae Variant Classification Sherloc (09022015). Collection method: clinical testing. Allele origin: germline.
Comment: This sequence change creates a premature translational stop signal (p.Leu283Trpfs*10) in the FLCN gene. It is expected to result in an absent or disrupted protein product. Loss-of-function variants in FLCN are known to be pathogenic (PMID: 15852235). This variant is not present in population databases (gnomAD no frequency). This variant has not been reported in the literature in individuals affected with FLCN-related conditions. For these reasons, this variant has been classified as Pathogenic.

Literature cited by the submitters: PubMed 15852235.

NM_144997.7(FLCN):c.846del (p.Leu283fs)

Gene: FLCN (folliculin; minus strand). Cytogenetic location: 17p11.2.
Variant type: Deletion.
Coding change: c.846del on transcript NM_144997.7 (MANE Select); coding-DNA position 846, one base deleted (C; older notation c.846delC).
Protein change: p.Leu283fs; shifts the reading frame from leucine 283.
Molecular consequence: frameshift variant.
Genome position (GRCh38, 1-based): chr17:17,221,562, G deleted on the plus strand (C on the coding strand, the reverse complement: FLCN is on the minus strand); the first of 2 consecutive G bases (chr17:17,221,562-17,221,563); deleting either gives the same sequence. VCF-style (leftmost placement, unchanged base first): chr17-17221561-AG-A. GRCh37 (hg19) VCF-style: chr17-17124875-AG-A.
Other names: c.900del, p.Leu301fs (NM_001353229.2); c.846del, p.Leu283fs (NM_001353230.2, NM_001353231.2, NM_144606.7); short protein forms L283fs, L301fs.
Identifiers: ClinVar variation 2700983 (VCV002700983.3), dbSNP rs2544219637, ClinGen allele CA2697559481.